The following is an entry in ClinVar:

NM_024757.5(EHMT1):c.2822C>A (p.Ser941Ter)

Gene: EHMT1 (euchromatic histone lysine methyltransferase 1; plus strand). Cytogenetic location: 9q34.3.
Variant type: single nucleotide variant.
Coding change: c.2822C>A on transcript NM_024757.5 (MANE Select); coding-DNA position 2822, C replaced by A.
Protein change: p.Ser941Ter; replaces serine 941 with a stop codon.
Molecular consequence: nonsense.
Genome position (GRCh38, 1-based): chr9:137,811,570, C>A. VCF-style: chr9-137811570-C-A. GRCh37 (hg19) VCF-style: chr9-140706022-C-A.
Other names: c.2801C>A, p.Ser934Ter (NM_001354263.2); short protein forms S934*, S941*.
Identifiers: ClinVar variation 3236879 (VCV003236879.1).

ClinVar aggregate classification (germline): Pathogenic (1 of 4 stars; one submission).

Conditions:
Kleefstra syndrome 1 (KLEFS1). Identifiers: Orphanet 261494, MedGen C0795833, MONDO:0027407, OMIM 610253.

Submission:

Laboratory of Genetics, Children's Clinical University Hospital Latvia
Classification: Pathogenic for Kleefstra syndrome 1. Review status: criteria provided, single submitter. Criteria: ACMG Guidelines, 2015. Collection method: curation. Allele origin: de novo. Affected: yes.
Comment: de novo

Literature cited by the submitters: PubMed 39013458.